The following is an entry in ClinVar:

ClinVar aggregate classification (germline): Uncertain significance (1 of 4 stars; one submission).

Conditions:
Charcot-Marie-Tooth disease type 2B (CMT2B). Also called: Charcot-Marie-Tooth Neuropathy Type 2B; CHARCOT-MARIE-TOOTH DISEASE, AXONAL, TYPE 2B; CHARCOT-MARIE-TOOTH DISEASE, AUTOSOMAL DOMINANT, TYPE 2B; HEREDITARY MOTOR AND SENSORY NEUROPATHY IIB. Identifiers: Orphanet 99936, MedGen C1833219, MONDO:0010949, OMIM 600882.

Allele frequency attached by ClinVar (database versions not stated): gnomAD exomes below 0.00001.
gnomAD v4.1: 2 of 1,614,166 alleles (0.00012%); highest among the groups gnomAD compares: Admixed American, 0.0033%; no homozygotes.

Submission:

Labcorp Genetics (formerly Invitae), Labcorp
Classification: Uncertain significance for Charcot-Marie-Tooth disease type 2B. Last evaluated: 2023-01-04. Review status: criteria provided, single submitter. Criteria: Invitae Variant Classification Sherloc (09022015). Collection method: clinical testing. Allele origin: germline.
Comment: This variant has not been reported in the literature in individuals affected with RAB7A-related conditions. This variant is present in population databases (rs201399896, gnomAD 0.003%). This sequence change replaces alanine, which is neutral and non-polar, with threonine, which is neutral and polar, at codon 141 of the RAB7A protein (p.Ala141Thr). Algorithms developed to predict the effect of missense changes on protein structure and function (SIFT, PolyPhen-2, Align-GVGD) all suggest that this variant is likely to be tolerated. In summary, the available evidence is currently insufficient to determine the role of this variant in disease. Therefore, it has been classified as a Variant of Uncertain Significance.

NM_004637.6(RAB7A):c.421G>A (p.Ala141Thr)

Gene: RAB7A (RAB7A, member RAS oncogene family; plus strand). Cytogenetic location: 3q21.3.
Variant type: single nucleotide variant.
Coding change: c.421G>A on transcript NM_004637.6 (MANE Select); coding-DNA position 421, G replaced by A.
Protein change: p.Ala141Thr; replaces alanine 141 with threonine.
Molecular consequence: missense variant.
Genome position (GRCh38, 1-based): chr3:128,807,564, G>A. VCF-style: chr3-128807564-G-A. GRCh37 (hg19) VCF-style: chr3-128526407-G-A.
Other names: short protein forms A141T.
Identifiers: ClinVar variation 3008781 (VCV003008781.3), dbSNP rs201399896, ClinGen allele CA2600844.